The following is an entry in ClinVar:

ClinVar aggregate classification (germline): Likely pathogenic (1 of 4 stars; one submission).

Allele frequency attached by ClinVar (database versions not stated): TOPMed 0.00001.

Submission:

GeneDx
Classification: Likely pathogenic. Last evaluated: 2026-10-24. Review status: criteria provided, single submitter. Criteria: GeneDx Variant Classification Process June 2021. Collection method: clinical testing. Allele origin: germline.
Comment: Not observed at significant frequency in large population cohorts (gnomAD); Missense variants in this gene are a common cause of disease and they are underrepresented in the general population; In silico analysis suggests that this missense variant does not alter protein structure/function; This variant is associated with the following publications: (PMID: 27439679, 11592034, 16368217)

NM_024301.5(FKRP):c.1394A>C (p.Tyr465Ser)

Gene: FKRP (fukutin related protein; plus strand). Cytogenetic location: 19q13.32.
Variant type: single nucleotide variant.
Coding change: c.1394A>C on transcript NM_024301.5 (MANE Select); coding-DNA position 1394, A replaced by C.
Protein change: p.Tyr465Ser; replaces tyrosine 465 with serine.
Molecular consequence: missense variant.
Genome position (GRCh38, 1-based): chr19:46,756,844, A>C. VCF-style: chr19-46756844-A-C. GRCh37 (hg19) VCF-style: chr19-47260101-A-C.
Other names: c.1394A>C, p.Tyr465Ser (NM_001039885.3); short protein forms Y465S.
Identifiers: ClinVar variation 379888 (VCV000379888.3), dbSNP rs1057520772, ClinGen allele CA16608282.